The following is an entry in ClinVar:

ClinVar aggregate classification (germline): Uncertain significance (1 of 4 stars; one submission).

Allele frequency attached by ClinVar (database versions not stated): gnomAD exomes 0.00001.
gnomAD v4.1: 10 of 1,548,850 alleles (0.00065%); highest among the groups gnomAD compares: Non-Finnish European, 0.00087%; no homozygotes.

Submission:

CeGaT Center for Human Genetics Tuebingen
Classification: Uncertain significance. Last evaluated: 2023-08-01. Review status: criteria provided, single submitter. Criteria: CeGaT Center For Human Genetics Tuebingen Variant Classification Criteria Version 2. Collection method: clinical testing. Allele origin: germline. Affected: yes. Observed: 1 variant allele.
Comment: ADAMTS10: PM2, BP4

NM_030957.4(ADAMTS10):c.3160G>C (p.Glu1054Gln)

Gene: ADAMTS10 (ADAM metallopeptidase with thrombospondin type 1 motif 10; minus strand). Cytogenetic location: 19p13.2.
Variant type: single nucleotide variant.
Coding change: c.3160G>C on transcript NM_030957.4 (MANE Select); coding-DNA position 3160, G replaced by C.
Protein change: p.Glu1054Gln; replaces glutamic acid 1054 with glutamine.
Molecular consequence: missense variant.
Genome position (GRCh38, 1-based): chr19:8,584,937, C>G on the plus strand (G>C on the coding strand, the complement: ADAMTS10 is on the minus strand). VCF-style: chr19-8584937-C-G. GRCh37 (hg19) VCF-style: chr19-8649821-C-G.
Other names: c.1621G>C, p.Glu541Gln (NM_001282352.2); short protein forms E1054Q, E541Q.
Identifiers: ClinVar variation 2649212 (VCV002649212.24), dbSNP rs2512571430, ClinGen allele CA403748140.